The following is an entry in ClinVar:

ClinVar aggregate classification (germline): Likely benign. Review status: criteria provided, multiple submitters, no conflicts (2 of 4 stars). 2 submissions from 2 submitters: Likely benign (2). Last evaluated 2026-06-22.

Conditions:
Retinoblastoma (RB1). Also called: RETINOBLASTOMA, SOMATIC. Identifiers: Orphanet 790, MedGen C0035335, MeSH D012175, MONDO:0008380, OMIM 180200, HP:0009919. Disease mechanism: loss of function. Inheritance: Both sporadic and heritable forms are tested..

Allele frequency attached by ClinVar (database versions not stated): ExAC 0.00001; gnomAD 0.00001; TOPMed 0.00001; 1000 Genomes Project 30x 0.00016; gnomAD exomes 0.00001; 1000 Genomes Project 0.00020.
gnomAD v4.1: 9 of 1,611,922 alleles (0.00056%); highest among the groups gnomAD compares: East Asian, 0.0045%; no homozygotes.

Submissions (2):

Myriad Genetics, Inc.
Classification: Likely benign for Retinoblastoma. Last evaluated: 2026-06-22. Review status: criteria provided, single submitter. Criteria: Myriad Autosomal Dominant, Autosomal Recessive and X-Linked Classification Criteria (2023). Collection method: clinical testing. Allele origin: unknown.
Comment: This variant is considered likely benign. This variant is intronic and is not expected to impact mRNA splicing.

Labcorp Genetics (formerly Invitae), Labcorp
Classification: Likely benign for Retinoblastoma. Last evaluated: 2025-04-14. Review status: criteria provided, single submitter. Criteria: Invitae Variant Classification Sherloc (09022015). Collection method: clinical testing. Allele origin: germline.

NM_000321.3(RB1):c.1696-7C>T

Gene: RB1 (RB transcriptional corepressor 1; plus strand). Cytogenetic location: 13q14.2.
Variant type: single nucleotide variant.
Coding change: c.1696-7C>T on transcript NM_000321.3 (MANE Select); 7 bases into the intron before coding-DNA position 1696, C replaced by T.
Molecular consequence: intron variant.
Genome position (GRCh38, 1-based): chr13:48,452,986, C>T. VCF-style: chr13-48452986-C-T. GRCh37 (hg19) VCF-style: chr13-49027122-C-T.
Identifiers: ClinVar variation 1111839 (VCV001111839.10), dbSNP rs180742027, ClinGen allele CA032328.